The following is an entry in ClinVar:

NM_004211.5(SLC6A5):c.1192C>G (p.Leu398Val)

Gene: SLC6A5 (solute carrier family 6 member 5; plus strand). Cytogenetic location: 11p15.1.
Variant type: single nucleotide variant.
Coding change: c.1192C>G on transcript NM_004211.5 (MANE Select); coding-DNA position 1192, C replaced by G.
Protein change: p.Leu398Val; replaces leucine 398 with valine.
Molecular consequence: missense variant.
Genome position (GRCh38, 1-based): chr11:20,617,816, C>G. VCF-style: chr11-20617816-C-G. GRCh37 (hg19) VCF-style: chr11-20639362-C-G.
Other names: c.490C>G, p.Leu164Val (NM_001318369.2); short protein forms L164V, L398V.
Identifiers: ClinVar variation 1354678 (VCV001354678.5), dbSNP rs756401575, ClinGen allele CA5921348.

ClinVar aggregate classification (germline): Uncertain significance (1 of 4 stars; one submission).

Conditions:
Hyperekplexia 3 (HKPX3). Also called: HYPEREKPLEXIA 3, AUTOSOMAL RECESSIVE; HYPEREKPLEXIA 3, AUTOSOMAL DOMINANT. Identifiers: Orphanet 3197, MedGen C3553288, MONDO:0013827, OMIM 614618.

Allele frequency attached by ClinVar (database versions not stated): ExAC 0.00001; gnomAD exomes 0.00001; TOPMed 0.00001.
gnomAD v4.1: 4 of 1,614,180 alleles (0.00025%); highest among the groups gnomAD compares: Admixed American, 0.0067%; no homozygotes.

Submission:

Labcorp Genetics (formerly Invitae), Labcorp
Classification: Uncertain significance for Hyperekplexia 3. Last evaluated: 2021-08-27. Review status: criteria provided, single submitter. Criteria: Invitae Variant Classification Sherloc (09022015). Collection method: clinical testing. Allele origin: germline.
Comment: This sequence change replaces leucine with valine at codon 398 of the SLC6A5 protein (p.Leu398Val). The leucine residue is weakly conserved and there is a small physicochemical difference between leucine and valine. This variant is present in population databases (rs756401575, ExAC 0.009%). This variant has not been reported in the literature in individuals affected with SLC6A5-related conditions. Advanced modeling of protein sequence and biophysical properties (such as structural, functional, and spatial information, amino acid conservation, physicochemical variation, residue mobility, and thermodynamic stability) performed at Invitae indicates that this missense variant is not expected to disrupt SLC6A5 protein function. In summary, the available evidence is currently insufficient to determine the role of this variant in disease. Therefore, it has been classified as a Variant of Uncertain Significance.